The following is an entry in ClinVar:

ClinVar aggregate classification (germline): Benign/Likely benign. Review status: criteria provided, multiple submitters, no conflicts (2 of 4 stars). 2 submissions from 2 submitters: Benign (1); Likely benign (1). Last evaluated 2024-01-01.

Allele frequency attached by ClinVar (database versions not stated): 1000 Genomes Project 30x 0.00172; 1000 Genomes Project 0.00180; ESP Exome Variant Server 0.00228; TOPMed 0.00238; gnomAD 0.00309 and 0.00318.
gnomAD v4.1: 6,158 of 1,596,812 alleles (0.39%); highest among the groups gnomAD compares: Non-Finnish European, 0.43%; 15 homozygotes.

Submissions (2):

CeGaT Center for Human Genetics Tuebingen
Classification: Likely benign. Last evaluated: 2024-01-01. Review status: criteria provided, single submitter. Criteria: CeGaT Center For Human Genetics Tuebingen Variant Classification Criteria Version 2. Collection method: clinical testing. Allele origin: germline. Affected: yes. Observed: 1 variant allele.
Comment: GATAD2A: BP4, BP7, BS2

Labcorp Genetics (formerly Invitae), Labcorp
Classification: Benign. Last evaluated: 2017-12-19. Review status: criteria provided, single submitter. Criteria: Invitae Variant Classification Sherloc (09022015). Collection method: clinical testing. Allele origin: germline.

NM_001384528.1(GATAD2A):c.1491C>T (p.Pro497=)

Gene: GATAD2A (GATA zinc finger domain containing 2A; plus strand). Cytogenetic location: 19p13.11.
Variant type: single nucleotide variant.
Coding change: c.1491C>T on transcript NM_001384528.1 (MANE Select); coding-DNA position 1491, C replaced by T.
Protein change: p.Pro497=; no amino-acid change (proline 497 retained).
Molecular consequence: synonymous variant. On other transcripts: non-coding transcript variant (1).
Genome position (GRCh38, 1-based): chr19:19,501,404, C>T. VCF-style: chr19-19501404-C-T. GRCh37 (hg19) VCF-style: chr19-19612213-C-T.
Other names: c.1491C>T, p.Pro497= (NM_001300946.3, NM_001359631.2, NM_001384511.1 and 18 more transcripts); c.1488C>T, p.Pro496= (NM_001384529.1, NM_001384530.1, NM_001384531.1 and 4 more transcripts); c.1644C>T, p.Pro548= (NM_001384537.1); c.1401C>T, p.Pro467= (NM_001384539.1); c.1062C>T, p.Pro354= (NM_001384540.1, NM_001384541.1).
Identifiers: ClinVar variation 773604 (VCV000773604.25), dbSNP rs112281927, ClinGen allele CA9327130.